The following is an entry in ClinVar:

ClinVar aggregate classification (germline): Benign (1 of 4 stars; one submission).

gnomAD v4.1: 16,935 of 1,597,886 alleles (1.1%); highest among the groups gnomAD compares: Non-Finnish European, 1.2%; 117 homozygotes.

Submission:

CeGaT Center for Human Genetics Tuebingen
Classification: Benign. Last evaluated: 2025-08-01. Review status: criteria provided, single submitter. Criteria: CeGaT Center For Human Genetics Tuebingen Variant Classification Criteria Version 2. Collection method: clinical testing. Allele origin: germline. Affected: yes. Observed: 1 variant allele.
Comment: PCSK5: BP4, BP7, BS1, BS2

NM_001372043.1(PCSK5):c.3033G>A (p.Ala1011=)

Gene: PCSK5 (proprotein convertase subtilisin/kexin type 5; plus strand). Cytogenetic location: 9q21.13.
Variant type: single nucleotide variant.
Coding change: c.3033G>A on transcript NM_001372043.1 (MANE Select); coding-DNA position 3033, G replaced by A.
Protein change: p.Ala1011=; no amino-acid change (alanine 1011 retained).
Molecular consequence: synonymous variant.
Genome position (GRCh38, 1-based): chr9:76,239,125, G>A. VCF-style: chr9-76239125-G-A. GRCh37 (hg19) VCF-style: chr9-78854041-G-A.
Other names: c.3033G>A, p.Ala1011= (NM_001190482.2).
Identifiers: ClinVar variation 4083568 (VCV004083568.8).
Genomic context (GRCh38, chr9:76,239,125, plus strand): 5'-CTGTGAGCTTTGCCACAGCGTGCATGTCTGCACAAGATGCATGAAGGGCTACTTCATAGC[G>A]CCCACCAACCACACATGCCAGAAGTTAGAGTGTGGACAAGGTAAGCCTGCTCCTGGGCCC-3'
Protein context (NP_001358972.1, residues 1001-1021): CTRCMKGYFI[Ala1011=]PTNHTCQKLE